The following is an entry in ClinVar:

ClinVar aggregate classification (germline): Benign. Review status: criteria provided, multiple submitters, no conflicts (2 of 4 stars). 10 submissions from 8 submitters: Benign (10). Last evaluated 2026-02-02.

Conditions:
Distal spinal muscular atrophy. Also called: Distal hereditary motor neuronopathy; Distal hereditary motor neuropathy. Identifiers: Orphanet 53739, MedGen C0393541, MONDO:0018894.
Charcot-Marie-Tooth disease. Also called: Charcot-Marie-Tooth Neuropathy; Charcot-Marie-Tooth Hereditary Neuropathy. Identifiers: Orphanet 166, MedGen C0007959, MONDO:0015626.
Charcot-Marie-Tooth disease type 2. Also called: Charcot-Marie-Tooth type 2. Identifiers: Orphanet 64746, MedGen C0270914, MONDO:0018993.
Charcot-Marie-Tooth disease type 2D (CMT2D). Also called: CHARCOT-MARIE-TOOTH DISEASE, AXONAL, TYPE 2D; CHARCOT-MARIE-TOOTH DISEASE, NEURONAL, TYPE 2D; Charcot-Marie-Tooth Neuropathy Type 2D; GARS1 Adolescent- or Early Adult-Onset Hereditary Motor/Sensory Neuropathy (GARS1-HMSN). Identifiers: Orphanet 99938, MedGen C1832274, MONDO:0011091, OMIM 601472.
Neuronopathy, distal hereditary motor, type 5A (HMND5). Also called: DHMN VA; Distal Spinal Muscular Atrophy V; NEURONOPATHY, DISTAL HEREDITARY MOTOR, AUTOSOMAL DOMINANT 5; Distal Spinal Muscular Atrophy V (dSMA-V). Identifiers: Orphanet 139536, MedGen CN031873, MONDO:0015353, OMIM 600794.

Allele frequency attached by ClinVar (database versions not stated): gnomAD exomes 0.00151 and 0.00397; ExAC 0.00500; gnomAD 0.01480 and 0.01578; ESP Exome Variant Server 0.01563; 1000 Genomes Project 0.01617; TOPMed 0.01695; 1000 Genomes Project 30x 0.01718.
gnomAD v4.1: 4,547 of 1,613,054 alleles (0.28%); highest among the groups gnomAD compares: African/African-American, 5.2%; 121 homozygotes.

Submissions (10):

Labcorp Genetics (formerly Invitae), Labcorp
Classification: Benign for Charcot-Marie-Tooth disease type 2. Last evaluated: 2026-02-02. Review status: criteria provided, single submitter. Criteria: Invitae Variant Classification Sherloc (09022015). Collection method: clinical testing. Allele origin: germline.

ARUP Laboratories, Molecular Genetics and Genomics, ARUP Laboratories
Classification: Benign. Last evaluated: 2022-03-31. Review status: criteria provided, single submitter. Criteria: ARUP Molecular Germline Variant Investigation Process 2021. Collection method: clinical testing. Allele origin: germline.

Mayo Clinic Laboratories, Mayo Clinic
Classification: Benign. Last evaluated: 2019-12-06. Review status: criteria provided, single submitter. Criteria: ACMG Guidelines, 2015. Collection method: clinical testing. Allele origin: germline. Observed: 18 variant alleles.

Illumina Laboratory Services, Illumina
Classification: Benign for Distal Spinal Muscular Atrophy. Last evaluated: 2018-01-13. Review status: criteria provided, single submitter. Criteria: ICSL Variant Classification Criteria 13 December 2019. Collection method: clinical testing. Allele origin: germline.
Comment: This variant was observed in the ICSL laboratory as part of a predisposition screen in an ostensibly healthy population. It had not been previously curated by ICSL or reported in the Human Gene Mutation Database (HGMD: prior to June 1st, 2018), and was therefore a candidate for classification through an automated scoring system. Utilizing variant allele frequency, disease prevalence and penetrance estimates, and inheritance mode, an automated score was calculated to assess if this variant is too frequent to cause the disease. Based on the score and internal cut-off values, a variant classified as benign is not then subjected to further curation. The score for this variant resulted in a classification of benign for this disease.

Illumina Laboratory Services, Illumina
Classification: Benign for Distal hereditary motor neuronopathy type 5. Last evaluated: 2018-01-13. Review status: criteria provided, single submitter. Criteria: ICSL Variant Classification Criteria 13 December 2019. Collection method: clinical testing. Allele origin: germline.
Comment: the same text as in the submission from Illumina Laboratory Services, Illumina above.

Illumina Laboratory Services, Illumina
Classification: Benign for Charcot-Marie-Tooth disease type 2D. Last evaluated: 2018-01-13. Review status: criteria provided, single submitter. Criteria: ICSL Variant Classification Criteria 13 December 2019. Collection method: clinical testing. Allele origin: germline.
Comment: the same text as in the submission from Illumina Laboratory Services, Illumina above.

Athena Diagnostics
Classification: Benign. Last evaluated: 2017-09-21. Review status: criteria provided, single submitter. Criteria: Athena Diagnostics Criteria. Collection method: clinical testing. Allele origin: germline.

GeneDx
Classification: Benign. Last evaluated: 2016-01-28. Review status: criteria provided, single submitter. Criteria: GeneDx Variant Classification (06012015). Collection method: clinical testing. Allele origin: germline. Affected: yes.
Comment: This variant is considered likely benign or benign based on one or more of the following criteria: it is a conservative change, it occurs at a poorly conserved position in the protein, it is predicted to be benign by multiple in silico algorithms, and/or has population frequency not consistent with disease.

Molecular Genetics Laboratory, London Health Sciences Centre
Classification: Benign for Charcot-Marie-Tooth disease. Review status: criteria provided, single submitter. Criteria: ACMG Guidelines, 2015. Collection method: clinical testing. Allele origin: germline. Affected: yes.

PreventionGenetics, part of Exact Sciences
Classification: Benign. Review status: criteria provided, single submitter. Criteria: ACMG Guidelines, 2015. Collection method: clinical testing. Allele origin: germline.

NM_002047.4(GARS1):c.747T>C (p.Tyr249=)

Gene: GARS1 (glycyl-tRNA synthetase 1; plus strand). Cytogenetic location: 7p14.3.
Variant type: single nucleotide variant.
Coding change: c.747T>C on transcript NM_002047.4 (MANE Select); coding-DNA position 747, T replaced by C.
Protein change: p.Tyr249=; no amino-acid change (tyrosine 249 retained).
Molecular consequence: synonymous variant.
Genome position (GRCh38, 1-based): chr7:30,609,596, T>C. VCF-style: chr7-30609596-T-C. GRCh37 (hg19) VCF-style: chr7-30649212-T-C.
Other names: p.Tyr249=; c.585T>C, p.Tyr195= (NM_001316772.1); c.747T>C (LRG_243t1).
Identifiers: ClinVar variation 258538 (VCV000258538.27), dbSNP rs7808770, ClinGen allele CA4205815.
Genomic context (GRCh38, chr7:30,609,596, plus strand): 5'-TGCCTTGTTTTCTCTGTCTTTTACACTAATTTCTTTATATGTCTTTTAGCTTGATAACTA[T>C]GGACAGCAAGAACTTGCGGATCTTTTTGTGAACTATAATGTAAAATCTCCCATTACTGGA-3'
Protein context (NP_002038.2, residues 239-259): MESVLAQLDN[Tyr249=]GQQELADLFV